The following is an entry in ClinVar:

NM_133259.4(LRPPRC):c.1550C>G (p.Ala517Gly)

Gene: LRPPRC (leucine rich pentatricopeptide repeat containing; minus strand). Cytogenetic location: 2p21.
Variant type: single nucleotide variant.
Coding change: c.1550C>G on transcript NM_133259.4 (MANE Select); coding-DNA position 1550, C replaced by G.
Protein change: p.Ala517Gly; replaces alanine 517 with glycine.
Molecular consequence: missense variant.
Genome position (GRCh38, 1-based): chr2:43,960,573, G>C on the plus strand (C>G on the coding strand, the complement: LRPPRC is on the minus strand). VCF-style: chr2-43960573-G-C. GRCh37 (hg19) VCF-style: chr2-44187712-G-C.
Other names: short protein forms A517G.
Identifiers: ClinVar variation 3391272 (VCV003391272.1).
Genomic context (GRCh38, chr2:43,960,573, plus strand): 5'-AAGTTTACCGCTAATGTTGTATACTTACAAAATGATAATACAAAGTCTAAGTTCCCATTT[G>C]CTGCTTCACTTCTCAATCCAGCTTGAGAAAACATATCACTATCAGACAGACATCCATTTT-3'
Protein context (NP_573566.2, residues 507-527): FSQAGLRSEA[Ala517Gly]NGNLDFVLSF

ClinVar aggregate classification (germline): Uncertain significance (1 of 4 stars; one submission).

Conditions:
Congenital lactic acidosis, Saguenay-Lac-Saint-Jean type (MC4DN5). Also called: CYTOCHROME c OXIDASE DEFICIENCY, FRENCH CANADIAN TYPE; COX DEFICIENCY, FRENCH CANADIAN TYPE; MITOCHONDRIAL COMPLEX IV DEFICIENCY, NUCLEAR TYPE 5. Identifiers: Orphanet 70472, MedGen C1857355, MONDO:0009069, OMIM 220111.

gnomAD v4.1: 3 of 1,602,690 alleles (0.00019%); highest among the groups gnomAD compares: South Asian, 0.0022%; no homozygotes.

Submission:

Neuberg Centre For Genomic Medicine, NCGM
Classification: Uncertain significance for Congenital lactic acidosis, Saguenay-Lac-Saint-Jean type. Review status: criteria provided, single submitter. Criteria: ACMG Guidelines, 2015. Collection method: clinical testing. Allele origin: germline. Inheritance: Autosomal recessive inheritance. Affected: yes.
Comment: The observed missense variant c.1550C>Gp.Ala517Gly in the LRPPRC gene has not been reported previously as a pathogenicvariant nor as a benign variant, to our knowledge. This variant is reported with the allele frequency 0.0004% in the gnomADExomes. The amino acid Ala at position 517 is changed to a Gly changing protein sequence and it might alter its composition andphysico-chemical properties. Multiple lines of computational evidence Polyphen - Benign, SIFT - Tolerated and MutationTaster -Polymorphism predict no damaging effect on protein structure and function for this variant. The residue is conserved by GERP++and PhyloP across 100 vertebrates. For these reasons, this variant has been classified as Uncertain Significance.